The following is an entry in ClinVar:

NM_002637.4(PHKA1):c.2725C>G (p.Pro909Ala)

Gene: PHKA1 (phosphorylase kinase regulatory subunit alpha 1; minus strand). Cytogenetic location: Xq13.1.
Variant type: single nucleotide variant.
Coding change: c.2725C>G on transcript NM_002637.4 (MANE Select); coding-DNA position 2725, C replaced by G.
Protein change: p.Pro909Ala; replaces proline 909 with alanine.
Molecular consequence: missense variant.
Genome position (GRCh38, 1-based): chrX:72,605,361, G>C on the plus strand (C>G on the coding strand, the complement: PHKA1 is on the minus strand). VCF-style: chrX-72605361-G-C. GRCh37 (hg19) VCF-style: chrX-71825211-G-C.
Other names: c.2725C>G, p.Pro909Ala (NM_001122670.2); c.2548C>G, p.Pro850Ala (NM_001172436.2); short protein forms P850A, P909A.
Identifiers: ClinVar variation 982992 (VCV000982992.10), dbSNP rs1179242925, ClinGen allele CA413589022.

ClinVar aggregate classification (germline): Uncertain significance. Review status: criteria provided, multiple submitters, no conflicts (2 of 4 stars). 5 submissions from 5 submitters: Uncertain significance (3). 2 of the submissions do not count toward it. Last evaluated 2022-04-08.

Conditions:
Glycogen storage disease IXd (GSD9D). Also called: Muscle Phosphorylase Kinase Deficiency; GSD IXd. Identifiers: Orphanet 715, MedGen C1845151, MONDO:0010362, OMIM 300559.

Allele frequency attached by ClinVar (database versions not stated): TOPMed 0.00001; gnomAD 0.00003; gnomAD exomes 0.00003.
gnomAD v4.1: 37 of 1,204,847 alleles (0.0031%); highest among the groups gnomAD compares: Middle Eastern, 0.023%; no homozygotes.

Submissions (5):

Labcorp Genetics (formerly Invitae), Labcorp
Classification: Uncertain significance for Glycogen storage disease IXd. Last evaluated: 2022-04-08. Review status: criteria provided, single submitter. Criteria: Invitae Variant Classification Sherloc (09022015). Collection method: clinical testing. Allele origin: germline.
Comment: In summary, the available evidence is currently insufficient to determine the role of this variant in disease. Therefore, it has been classified as a Variant of Uncertain Significance. Algorithms developed to predict the effect of missense changes on protein structure and function are either unavailable or do not agree on the potential impact of this missense change (SIFT: "Deleterious"; PolyPhen-2: "Probably Damaging"; Align-GVGD: "Class C0"). ClinVar contains an entry for this variant (Variation ID: 982992). This variant has not been reported in the literature in individuals affected with PHKA1-related conditions. This variant is not present in population databases (gnomAD no frequency). This sequence change replaces proline, which is neutral and non-polar, with alanine, which is neutral and non-polar, at codon 909 of the PHKA1 protein (p.Pro909Ala).

Revvity Omics, Revvity
Classification: Uncertain significance for Glycogen storage disease IXd. Last evaluated: 2021-12-28. Review status: criteria provided, single submitter. Criteria: ACMG Guidelines, 2015. Collection method: clinical testing. Allele origin: germline.

Institute of Human Genetics, University of Leipzig Medical Center
Classification: Uncertain significance for Glycogen storage disease IXd. Last evaluated: 2019-01-01. Review status: criteria provided, single submitter. Criteria: ACMG Guidelines, 2015. Collection method: clinical testing. Allele origin: unknown. Affected: yes.

Clinical Genetics DNA and cytogenetics Diagnostics Lab, Erasmus MC, Erasmus Medical Center
Classification: Uncertain significance. Review status: no assertion criteria provided. Collection method: clinical testing. Allele origin: germline. Affected: yes. Study: VKGL Data-share Consensus. Not counted in ClinVar's aggregate classification.

Laboratory of Diagnostic Genome Analysis, Leiden University Medical Center (LUMC)
Classification: Uncertain significance. Review status: no assertion criteria provided. Collection method: clinical testing. Allele origin: germline. Affected: yes. Study: VKGL Data-share Consensus. Not counted in ClinVar's aggregate classification.